The following is an entry in ClinVar:

NM_014889.4(PITRM1):c.1848C>T (p.Pro616=)

Gene: PITRM1 (pitrilysin metallopeptidase 1; minus strand). Cytogenetic location: 10p15.2.
Variant type: single nucleotide variant.
Coding change: c.1848C>T on transcript NM_014889.4 (MANE Select); coding-DNA position 1848, C replaced by T.
Protein change: p.Pro616=; no amino-acid change (proline 616 retained).
Molecular consequence: synonymous variant. On other transcripts: non-coding transcript variant (4).
Genome position (GRCh38, 1-based): chr10:3,149,644, G>A on the plus strand (C>T on the coding strand, the complement: PITRM1 is on the minus strand). VCF-style: chr10-3149644-G-A. GRCh37 (hg19) VCF-style: chr10-3191836-G-A.
Other names: c.1848C>T, p.Pro616= (NM_001242307.2, NM_001347725.2); c.1752C>T, p.Pro584= (NM_001242309.1); c.1233C>T, p.Pro411= (NM_001347726.2, NM_001347727.2); c.543C>T, p.Pro181= (NM_001347728.2); c.1824C>T, p.Pro608= (NM_001347729.1, NM_001347730.1).
Identifiers: ClinVar variation 3043419 (VCV003043419.2), dbSNP rs1016027707, ClinGen allele CA201352091.

ClinVar aggregate classification (germline): Likely benign (0 of 4 stars; one submission).

Conditions:
PITRM1-related disorder. Also called: PITRM1-related condition.

gnomAD v4.1: 2 of 1,583,592 alleles (0.00013%); highest among the groups gnomAD compares: Non-Finnish European, 0.00017%; no homozygotes.

Submission:

PreventionGenetics, part of Exact Sciences
Classification: Likely benign for PITRM1-related condition. Last evaluated: 2019-12-26. Review status: no assertion criteria provided. Collection method: clinical testing. Allele origin: germline.
Comment: This variant is classified as likely benign based on ACMG/AMP sequence variant interpretation guidelines (Richards et al. 2015 PMID: 25741868, with internal and published modifications).